The following is an entry in ClinVar:

NM_080425.4(GNAS):c.2069-5357_2069-5346del

Gene: GNAS (GNAS complex locus; plus strand). Cytogenetic location: 20q13.32.
Variant type: Deletion.
Coding change: c.2069-5357_2069-5346del on transcript NM_080425.4 (MANE Plus Clinical); 5357 bases into the intron before coding-DNA position 2069 through 5346 bases into the intron before coding-DNA position 2069, 12 bases deleted (CGCCGCCGCCGC).
Molecular consequence: intron variant.
Genome position (GRCh38, 1-based): chr20:58,890,255-58,890,266, CGCCGCCGCCGC deleted; deleting any 12 consecutive bases within chr20:58,890,253-58,890,266 gives the same sequence; the c. name uses the placement nearest the transcript's 3' end. VCF-style (leftmost placement, unchanged base first): chr20-58890252-GGCCGCCGCCGCC-G. GRCh37 (hg19) VCF-style: chr20-57465307-GGCCGCCGCCGCC-G.
Other names: c.*43-5357_*43-5346del (NM_016592.5); c.44-5357_44-5346del (NM_001410912.1); c.-38-5357_-38-5346del (NM_001309861.2); c.*1-5357_*1-5346del (NM_001077490.3); c.2069-5357_2069-5346del (NM_001410913.1); c.*159-5357_*159-5346del (NM_001309883.1); c.-39+902_-39+913del (NM_001438273.1, NM_001309840.2); c.-39+923_-39+934del (NM_001439291.1, NM_001438274.1).
Identifiers: ClinVar variation 3771725 (VCV003771725.13).
Genomic context (GRCh38, chr20:58,890,252, plus strand): 5'-GATGCTGAAGAAGAAGAAGAAGAAGGTGCCAGAAGCCCAGGAGGAGGCCCGATGCCCCGA[GGCCGCCGCCGCC>G]GCGGCCGCCGCCGACGACGACGAGGGCGCCGAGGAGGGCGCCGTCGGGGGCGCCGAGGAG-3'

ClinVar aggregate classification (germline): Likely benign (1 of 4 stars; one submission).

Submission:

CeGaT Center for Human Genetics Tuebingen
Classification: Likely benign. Last evaluated: 2025-01-01. Review status: criteria provided, single submitter. Criteria: CeGaT Center For Human Genetics Tuebingen Variant Classification Criteria Version 2. Collection method: clinical testing. Allele origin: germline. Affected: yes. Observed: 1 variant allele.
Comment: GNAS: BP3